The following is an entry in ClinVar:

ClinVar aggregate classification (germline): Conflicting classifications of pathogenicity. Review status: criteria provided, conflicting classifications (1 of 4 stars). 2 submissions from 2 submitters: Uncertain significance (1); Likely benign (1). Last evaluated 2025-08-02.

Conditions:
Inborn genetic diseases. Identifiers: MedGen C0950123, MeSH D030342.
Methylmalonic acidemia with homocystinuria, type cblX (MAHCX). Also called: INTELLECTUAL DEVELOPMENTAL DISORDER, X-LINKED 3. Identifiers: Orphanet 369962, MedGen C0796208, MONDO:0010657, OMIM 309541.

Allele frequency attached by ClinVar (database versions not stated): gnomAD exomes 0.00002; gnomAD 0.00003; TOPMed 0.00003.
gnomAD v4.1: 20 of 1,110,715 alleles (0.0018%); highest among the groups gnomAD compares: Admixed American, 0.01%; no homozygotes.

Submissions (2):

Labcorp Genetics (formerly Invitae), Labcorp
Classification: Uncertain significance for Methylmalonic acidemia with homocystinuria, type cblX. Last evaluated: 2025-08-02. Review status: criteria provided, single submitter. Criteria: Invitae Variant Classification Sherloc (09022015). Collection method: clinical testing. Allele origin: germline.
Comment: This sequence change replaces glycine, which is neutral and non-polar, with serine, which is neutral and polar, at codon 1650 of the HCFC1 protein (p.Gly1650Ser). The frequency data for this variant in the population databases is considered unreliable, as metrics indicate poor data quality at this position in the gnomAD database. This variant has not been reported in the literature in individuals affected with HCFC1-related conditions. ClinVar contains an entry for this variant (Variation ID: 2179864). An algorithm developed to predict the effect of missense changes on protein structure and function (PolyPhen-2) suggests that this variant is likely to be disruptive. In summary, the available evidence is currently insufficient to determine the role of this variant in disease. Therefore, it has been classified as a Variant of Uncertain Significance.

Ambry Genetics
Classification: Likely benign for Inborn genetic diseases. Last evaluated: 2025-01-17. Review status: criteria provided, single submitter. Criteria: Ambry Variant Classification Scheme 2023. Collection method: clinical testing. Allele origin: germline.

NM_005334.3(HCFC1):c.4948G>A (p.Gly1650Ser)

Gene: HCFC1 (host cell factor C1; minus strand). Cytogenetic location: Xq28.
Variant type: single nucleotide variant.
Coding change: c.4948G>A on transcript NM_005334.3 (MANE Select); coding-DNA position 4948, G replaced by A.
Protein change: p.Gly1650Ser; replaces glycine 1650 with serine.
Molecular consequence: missense variant.
Genome position (GRCh38, 1-based): chrX:153,952,153, C>T on the plus strand (G>A on the coding strand, the complement: HCFC1 is on the minus strand). VCF-style: chrX-153952153-C-T. GRCh37 (hg19) VCF-style: chrX-153217604-C-T.
Other names: c.5083G>A, p.Gly1695Ser (NM_001410705.1); c.4948G>A (NM_005334.2); short protein forms G1650S, G1695S.
Identifiers: ClinVar variation 2179864 (VCV002179864.3), dbSNP rs909217502, ClinGen allele CA337250889.